The following is an entry in ClinVar:

ClinVar aggregate classification (germline): Conflicting classifications of pathogenicity. Review status: criteria provided, conflicting classifications (1 of 4 stars). 8 submissions from 8 submitters: Uncertain significance (1); Benign (2); Likely benign (4). 1 of the submissions does not count toward it. Last evaluated 2026-01-22.

Conditions:
Autosomal recessive nonsyndromic hearing loss 39. Identifiers: Orphanet 90636, MedGen C1842342, MONDO:0012003, OMIM 608265.

Allele frequency attached by ClinVar (database versions not stated): 1000 Genomes Project 30x 0.00047; 1000 Genomes Project 0.00060; ExAC 0.00162; gnomAD exomes 0.00170 and 0.00286; gnomAD 0.00193 and 0.00202; ESP Exome Variant Server 0.00215; TOPMed 0.00220.
gnomAD v4.1: 4,479 of 1,613,782 alleles (0.28%); highest among the groups gnomAD compares: Non-Finnish European, 0.34%; 9 homozygotes.

Submissions (8):

Labcorp Genetics (formerly Invitae), Labcorp
Classification: Benign. Last evaluated: 2026-01-22. Review status: criteria provided, single submitter. Criteria: Invitae Variant Classification Sherloc (09022015). Collection method: clinical testing. Allele origin: germline.

CeGaT Center for Human Genetics Tuebingen
Classification: Likely benign. Last evaluated: 2025-10-01. Review status: criteria provided, single submitter. Criteria: CeGaT Center For Human Genetics Tuebingen Variant Classification Criteria Version 2. Collection method: clinical testing. Allele origin: germline. Affected: yes. Observed: 3 variant alleles.
Comment: HGF: BP4, BP7

Blueprint Genetics
Classification: Likely benign. Last evaluated: 2024-10-24. Review status: criteria provided, single submitter. Criteria: ACMG Guidelines, 2015. Collection method: clinical testing. Allele origin: germline.

GeneDx
Classification: Likely benign. Last evaluated: 2020-11-27. Review status: criteria provided, single submitter. Criteria: GeneDx Variant Classification Process June 2021. Collection method: clinical testing. Allele origin: germline. Affected: yes.

Clinical Genetics DNA and cytogenetics Diagnostics Lab, Erasmus MC, Erasmus Medical Center
Classification: Likely benign for Autosomal recessive nonsyndromic hearing loss 39. Last evaluated: 2017-06-28. Review status: criteria provided, single submitter. Criteria: ACGS Guidelines, 2013. Collection method: clinical testing. Allele origin: germline. Affected: yes. Study: VKGL Data-share Consensus.

Eurofins Ntd Llc (ga)
Classification: Uncertain significance. Last evaluated: 2017-03-09. Review status: criteria provided, single submitter. Criteria: EGL Classification Definitions 2015. Collection method: clinical testing. Allele origin: germline. Observed: 1 variant allele, 1 heterozygote.

Laboratory for Molecular Medicine, Mass General Brigham Personalized Medicine
Classification: Benign. Last evaluated: 2012-04-30. Review status: criteria provided, single submitter. Criteria: LMM Criteria. Collection method: clinical testing. Allele origin: germline. Observed: 13 variant alleles.
Comment: Glu336Glu in Exon 08 of HGF: This variant is not expected to have clinical signi ficance because it does not alter an amino acid residue, is not located within t he splice consensus sequence, and has been identified in 0.3% (24/7020) of Europ ean American chromosomes from a broad population by the NHLBI Exome Sequencing P roject (dbSNP rs148714837).

Clinical Genetics, Academic Medical Center
Classification: Benign. Review status: no assertion criteria provided. Collection method: clinical testing. Allele origin: germline. Affected: yes. Study: VKGL Data-share Consensus. Not counted in ClinVar's aggregate classification.

NM_000601.6(HGF):c.1008G>A (p.Glu336=)

Gene: HGF (hepatocyte growth factor; minus strand). Cytogenetic location: 7q21.11.
Variant type: single nucleotide variant.
Coding change: c.1008G>A on transcript NM_000601.6 (MANE Select); coding-DNA position 1008, G replaced by A.
Protein change: p.Glu336=; no amino-acid change (glutamic acid 336 retained).
Molecular consequence: synonymous variant.
Genome position (GRCh38, 1-based): chr7:81,729,637, C>T on the plus strand (G>A on the coding strand, the complement: HGF is on the minus strand). VCF-style: chr7-81729637-C-T. GRCh37 (hg19) VCF-style: chr7-81358953-C-T.
Other names: c.993G>A, p.Glu331= (NM_001010932.3).
Identifiers: ClinVar variation 43606 (VCV000043606.61), dbSNP rs148714837, ClinGen allele CA132813.